The following is an entry in ClinVar:

NM_005475.3(SH2B3):c.401C>G (p.Ser134Cys)

Gene: SH2B3 (SH2B adaptor protein 3; plus strand). Cytogenetic location: 12q24.12.
Variant type: single nucleotide variant.
Coding change: c.401C>G on transcript NM_005475.3 (MANE Select); coding-DNA position 401, C replaced by G.
Protein change: p.Ser134Cys; replaces serine 134 with cysteine.
Molecular consequence: missense variant.
Genome position (GRCh38, 1-based): chr12:111,418,546, C>G. VCF-style: chr12-111418546-C-G. GRCh37 (hg19) VCF-style: chr12-111856350-C-G.
Other names: short protein forms S134C.
Identifiers: ClinVar variation 4842810 (VCV004842810.1).

ClinVar aggregate classification (germline): Uncertain significance (1 of 4 stars; one submission).

Conditions:
Inborn genetic diseases. Identifiers: MedGen C0950123, MeSH D030342.

Submission:

Ambry Genetics
Classification: Uncertain significance for Inborn genetic diseases. Last evaluated: 2025-12-15. Review status: criteria provided, single submitter. Criteria: Ambry Variant Classification Scheme 2023. Collection method: clinical testing. Allele origin: germline.
Comment: The p.S134C variant (also known as c.401C>G), located in coding exon 1 of the SH2B3 gene, results from a C to G substitution at nucleotide position 401. The serine at codon 134 is replaced by cysteine, an amino acid with dissimilar properties. This amino acid position is conserved. In addition, this alteration is predicted to be tolerated by in silico analysis. Based on the available evidence, the clinical significance of this variant remains unclear.